The following is an entry in ClinVar:

NM_001148.6(ANK2):c.1177G>T (p.Ala393Ser)

Gene: ANK2 (ankyrin 2; plus strand). Cytogenetic location: 4q26.
Variant type: single nucleotide variant.
Coding change: c.1177G>T on transcript NM_001148.6 (MANE Select); coding-DNA position 1177, G replaced by T.
Protein change: p.Ala393Ser; replaces alanine 393 with serine.
Molecular consequence: missense variant.
Genome position (GRCh38, 1-based): chr4:113,255,921, G>T. VCF-style: chr4-113255921-G-T. GRCh37 (hg19) VCF-style: chr4-114177077-G-T.
Other names: c.1114G>T, p.Ala372Ser (NM_001127493.3, NM_001354239.2, NM_001354243.2 and 14 more transcripts); c.1177G>T, p.Ala393Ser (NM_001354225.2, NM_001354228.2, NM_001354232.2 and 9 more transcripts); c.1222G>T, p.Ala408Ser (NM_001354230.2, NM_001354231.2, NM_001354237.2 and 5 more transcripts); c.1090G>T, p.Ala364Ser (NM_001354249.2, NM_001354260.2, NM_001354264.2 and 16 more transcripts); c.1135G>T, p.Ala379Ser (NM_001354261.2, NM_001386147.1, NM_001386160.1); c.1165G>T, p.Ala389Ser (NM_001354269.3, NM_001386148.2, NM_001386186.2); c.1228G>T, p.Ala410Ser (NM_001386174.1); c.1204G>T, p.Ala402Ser (NM_001386175.1); and 1 more; short protein forms A372S, A408S, A379S, A389S, A393S, A364S, A381S, A402S.
Identifiers: ClinVar variation 971189 (VCV000971189.8), dbSNP rs147458476, ClinGen allele CA103805923.

ClinVar aggregate classification (germline): Uncertain significance. Review status: criteria provided, multiple submitters, no conflicts (2 of 4 stars). 2 submissions from 2 submitters: Uncertain significance (2). Last evaluated 2024-08-24.

Conditions:
Cardiovascular phenotype. Identifiers: MedGen CN230736.
Long QT syndrome (LQTS). Identifiers: MedGen C0023976, MeSH D008133, MONDO:0002442. Disease mechanism: loss of function. Inheritance: Various modes of inheritance.

Allele frequency attached by ClinVar (database versions not stated): 1000 Genomes Project 0.00020; 1000 Genomes Project 30x 0.00031.
gnomAD v4.1: 4 of 1,614,126 alleles (0.00025%); highest among the groups gnomAD compares: Non-Finnish European, 0.00034%; no homozygotes.

Submissions (2):

Labcorp Genetics (formerly Invitae), Labcorp
Classification: Uncertain significance for Long QT syndrome. Last evaluated: 2024-08-24. Review status: criteria provided, single submitter. Criteria: Invitae Variant Classification Sherloc (09022015). Collection method: clinical testing. Allele origin: germline.
Comment: This sequence change replaces alanine, which is neutral and non-polar, with serine, which is neutral and polar, at codon 393 of the ANK2 protein (p.Ala393Ser). This variant is present in population databases (rs147458476, gnomAD 0.0009%). This variant has not been reported in the literature in individuals affected with ANK2-related conditions. ClinVar contains an entry for this variant (Variation ID: 971189). Invitae Evidence Modeling of protein sequence and biophysical properties (such as structural, functional, and spatial information, amino acid conservation, physicochemical variation, residue mobility, and thermodynamic stability) has been performed for this missense variant. However, the output from this modeling did not meet the statistical confidence thresholds required to predict the impact of this variant on ANK2 protein function. In summary, the available evidence is currently insufficient to determine the role of this variant in disease. Therefore, it has been classified as a Variant of Uncertain Significance.

Ambry Genetics
Classification: Uncertain significance for Cardiovascular phenotype. Last evaluated: 2024-06-09. Review status: criteria provided, single submitter. Criteria: Ambry Variant Classification Scheme 2023. Collection method: clinical testing. Allele origin: germline.
Comment: The p.A393S variant (also known as c.1177G>T), located in coding exon 11 of the ANK2 gene, results from a G to T substitution at nucleotide position 1177. The alanine at codon 393 is replaced by serine, an amino acid with similar properties. This amino acid position is conserved. In addition, the in silico prediction for this alteration is inconclusive. Based on the available evidence, the clinical significance of this variant remains unclear.